The following is an entry in ClinVar:

ClinVar aggregate classification (germline): Uncertain significance (1 of 4 stars; one submission).

Submission:

GeneDx
Classification: Uncertain significance. Last evaluated: 2025-06-16. Review status: criteria provided, single submitter. Criteria: GeneDx Variant Classification Process June 2021. Collection method: clinical testing. Allele origin: germline. Affected: yes.
Comment: Not observed at significant frequency in large population cohorts (gnomAD); In silico analysis suggests that this missense variant does not alter protein structure/function; Has not been previously published as pathogenic or benign to our knowledge

NM_000414.4(HSD17B4):c.1297C>G (p.Leu433Val)

Gene: HSD17B4 (hydroxysteroid 17-beta dehydrogenase 4; plus strand). Cytogenetic location: 5q23.1.
Variant type: single nucleotide variant.
Coding change: c.1297C>G on transcript NM_000414.4 (MANE Select); coding-DNA position 1297, C replaced by G.
Protein change: p.Leu433Val; replaces leucine 433 with valine.
Molecular consequence: missense variant. On other transcripts: non-coding transcript variant (2), intron variant (1).
Genome position (GRCh38, 1-based): chr5:119,506,853, C>G. VCF-style: chr5-119506853-C-G. GRCh37 (hg19) VCF-style: chr5-118842548-C-G.
Other names: c.1372C>G, p.Leu458Val (NM_001199291.3); c.1243C>G, p.Leu415Val (NM_001199292.2); c.1225C>G, p.Leu409Val (NM_001292027.2); c.877C>G, p.Leu293Val (NM_001292028.2); c.1288C>G, p.Leu430Val (NM_001374497.1); c.970C>G, p.Leu324Val (NM_001374499.1); c.856C>G, p.Leu286Val (NM_001374500.1); c.886C>G, p.Leu296Val (NM_001374501.1, NM_001374502.1, NM_001374503.1); and 1 more; short protein forms L286V, L293V, L296V, L324V, L409V, L415V, L430V, L433V.
Identifiers: ClinVar variation 4538669 (VCV004538669.1).